The following is an entry in ClinVar:

NM_001204.7(BMPR2):c.199T>C (p.Tyr67His)

Gene: BMPR2 (bone morphogenetic protein receptor type 2; plus strand). Cytogenetic location: 2q33.1.
Variant type: single nucleotide variant.
Coding change: c.199T>C on transcript NM_001204.7 (MANE Select); coding-DNA position 199, T replaced by C.
Protein change: p.Tyr67His; replaces tyrosine 67 with histidine.
Molecular consequence: missense variant.
Genome position (GRCh38, 1-based): chr2:202,464,931, T>C. VCF-style: chr2-202464931-T-C. GRCh37 (hg19) VCF-style: chr2-203329654-T-C.
Other names: c.199T>C (LRG_712t1); short protein forms Y67H.
Identifiers: ClinVar variation 617993 (VCV000617993.8), dbSNP rs1559046623, ClinGen allele CA350399381.

ClinVar aggregate classification (germline): Uncertain significance (1 of 4 stars; one submission).

Submission:

ARUP Laboratories, Molecular Genetics and Genomics, ARUP Laboratories
Classification: Uncertain significance. Last evaluated: 2018-02-16. Review status: criteria provided, single submitter. Criteria: ARUP Molecular Germline Variant Investigation Process. Collection method: clinical testing. Allele origin: germline.
Comment: The BMPR2 c.199T>C; p.Tyr67His variant, to our knowledge, is not reported in the medical literature, gene specific variation databases, nor has it been previously identified by our laboratory; however, another missense variant affecting this codon, p.Tyr67Cys, is classified as pathogenic (ClinVar ID: 425719, Morisaki 2004). The p.Tyr67His variant is absent from the general population databases (1000 Genomes Project, Exome Variant Server, Genome Aggregation Database), indicating it is not a common polymorphism. The tyrosine at position 67 is moderately conserved, considering 13 species, and computational analyses of the effects of the p.Tyr67His variant on protein structure and function make conflicting predictions (SIFT: tolerated , PolyPhen-2: probably damaging). Based on the available information, the clinical significance of the p.Tyr67His variant cannot be determined with certainty.